The following is an entry in ClinVar:

NM_000218.3(KCNQ1):c.814G>A (p.Gly272Ser)

Gene: KCNQ1 (potassium voltage-gated channel subfamily Q member 1; plus strand). Cytogenetic location: 11p15.5.
Variant type: single nucleotide variant.
Coding change: c.814G>A on transcript NM_000218.3 (MANE Select); coding-DNA position 814, G replaced by A.
Protein change: p.Gly272Ser; replaces glycine 272 with serine.
Molecular consequence: missense variant. On other transcripts: intron variant (1).
Genome position (GRCh38, 1-based): chr11:2,572,879, G>A. VCF-style: chr11-2572879-G-A. GRCh37 (hg19) VCF-style: chr11-2594109-G-A.
Other names: c.814G>A, p.Gly272Ser (NM_001406836.1); c.544G>A, p.Gly182Ser (NM_001406837.1); c.433G>A, p.Gly145Ser (NM_181798.2); c.478-10556G>A (NM_001406838.1); short protein forms G145S, G182S, G272S.
Identifiers: ClinVar variation 4806212 (VCV004806212.1).

ClinVar aggregate classification (germline): Uncertain significance (1 of 4 stars; one submission).

Conditions:
Long QT syndrome (LQTS). Identifiers: MedGen C0023976, MeSH D008133, MONDO:0002442. Disease mechanism: loss of function. Inheritance: Various modes of inheritance.

gnomAD v4.1: 6 of 1,613,674 alleles (0.00037%); highest among the groups gnomAD compares: Non-Finnish European, 0.00051%; no homozygotes.

Submission:

Labcorp Genetics (formerly Invitae), Labcorp
Classification: Uncertain significance for Long QT syndrome. Last evaluated: 2025-11-10. Review status: criteria provided, single submitter. Criteria: Invitae Variant Classification Sherloc (09022015). Collection method: clinical testing. Allele origin: germline.
Comment: This sequence change replaces glycine, which is neutral and non-polar, with serine, which is neutral and polar, at codon 272 of the KCNQ1 protein (p.Gly272Ser). This variant is present in population databases (rs749091087, gnomAD 0.002%). This missense change has been observed in individual(s) with atrial fibrillation (PMID: 28549997). Invitae Evidence Modeling of protein sequence and biophysical properties (such as structural, functional, and spatial information, amino acid conservation, physicochemical variation, residue mobility, and thermodynamic stability) has been performed for this missense variant. However, the output from this modeling did not meet the statistical confidence thresholds required to predict the impact of this variant on KCNQ1 protein function. Experimental studies have shown that this missense change affects KCNQ1 function (PMID: 28549997). This variant disrupts the p.Gly272 amino acid residue in KCNQ1. Other variant(s) that disrupt this residue have been determined to be pathogenic (PMID: 11140949, 16414944, 19716085, 22629021; internal data). This suggests that this residue is clinically significant, and that variants that disrupt this residue are likely to be disease-causing. In summary, the available evidence is currently insufficient to determine the role of this variant in disease. Therefore, it has been classified as a Variant of Uncertain Significance.

Literature cited by the submitters: PubMed 28549997; PubMed 11140949; PubMed 16414944; PubMed 19716085; PubMed 22629021.